The following is an entry in ClinVar:

ClinVar aggregate classification (germline): Uncertain significance (1 of 4 stars; one submission).

Conditions:
SEMA3A-related disorder. Also called: SEMA3A-related condition.

Submission:

PreventionGenetics, part of Exact Sciences
Classification: Uncertain significance for SEMA3A-related condition. Last evaluated: 2023-04-11. Review status: criteria provided, single submitter. Criteria: ACMG Guidelines, 2015. Collection method: clinical testing. Allele origin: germline.
Comment: The SEMA3A c.2001_2003dupCAT variant is predicted to result in an in-frame duplication (p.Ile668dup). To our knowledge, this variant has not been reported in the literature. This variant is reported in 0.00088% of alleles in individuals of European (Non-Finnish) descent in gnomAD. At this time, the clinical significance of this variant is uncertain due to the absence of conclusive functional and genetic evidence.

NM_006080.3(SEMA3A):c.2001_2003dup (p.Ile668_Asp669insIle)

Gene: SEMA3A (semaphorin 3A; minus strand). Cytogenetic location: 7q21.11.
Variant type: Duplication.
Coding change: c.2001_2003dup on transcript NM_006080.3 (MANE Select); coding-DNA positions 2001 to 2003, 3 bases duplicated (CAT; older notation c.2001_2003dupCAT).
Protein change: p.Ile668_Asp669insIle.
Molecular consequence: inframe insertion. On other transcripts: inframe indel (1).
Genome position (GRCh38, 1-based): chr7:83,961,684-83,961,686, ATG duplicated on the plus strand (CAT on the coding strand, the reverse complement: SEMA3A is on the minus strand); duplicating any 3 consecutive bases within chr7:83,961,684-83,961,687 gives the same sequence; the c. name uses the placement nearest the transcript's 3' end. VCF-style (leftmost placement, unchanged base first): chr7-83961683-A-AATG. GRCh37 (hg19) VCF-style: chr7-83590999-A-AATG.
Other names: c.2001_2003dupCAT (NM_006080.2).
Identifiers: ClinVar variation 2634572 (VCV002634572.1), dbSNP rs1226105531, ClinGen allele CA843073730.